The following is an entry in ClinVar:

NM_021076.4(NEFH):c.2348A>G (p.Glu783Gly)

Gene: NEFH (neurofilament heavy chain; plus strand). Cytogenetic location: 22q12.2.
Variant type: single nucleotide variant.
Coding change: c.2348A>G on transcript NM_021076.4 (MANE Select); coding-DNA position 2348, A replaced by G.
Protein change: p.Glu783Gly; replaces glutamic acid 783 with glycine.
Molecular consequence: missense variant.
Genome position (GRCh38, 1-based): chr22:29,489,988, A>G. VCF-style: chr22-29489988-A-G. GRCh37 (hg19) VCF-style: chr22-29885977-A-G.
Other names: p.Glu783Gly; short protein forms E783G.
Identifiers: ClinVar variation 1789942 (VCV001789942.5), dbSNP rs573785616, ClinGen allele CA10174408.
Genomic context (GRCh38, chr22:29,489,988, plus strand): 5'-CTCCAGAAGCCAAGACTCCAGCGAAGGAGGAAGCAAGGTCCCCTGCAGACAAATTCCCTG[A>G]AAAGGCCAAAAGCCCTGTCAAGGAGGAGGTCAAGTCCCCAGAGAAGGCGAAATCTCCCCT-3'
Protein context (NP_066554.2, residues 773-793): EARSPADKFP[Glu783Gly]KAKSPVKEEV

ClinVar aggregate classification (germline): Conflicting classifications of pathogenicity. Review status: criteria provided, conflicting classifications (1 of 4 stars). 3 submissions from 3 submitters: Uncertain significance (1); Likely benign (2). Last evaluated 2025-01-27.

Conditions:
Inborn genetic diseases. Identifiers: MedGen C0950123, MeSH D030342.

Allele frequency attached by ClinVar (database versions not stated): gnomAD 0.00001; ExAC 0.00002; gnomAD exomes 0.00002; TOPMed 0.00003.
gnomAD v4.1: 32 of 1,613,922 alleles (0.002%); highest among the groups gnomAD compares: Non-Finnish European, 0.0021%; no homozygotes.

Submissions (3):

Mayo Clinic Laboratories, Mayo Clinic
Classification: Likely benign. Last evaluated: 2025-01-27. Review status: criteria provided, single submitter. Criteria: ACMG Guidelines, 2015. Collection method: clinical testing. Allele origin: germline. Observed: 1 variant allele.
Comment: BS2, BP4_moderate

Labcorp Genetics (formerly Invitae), Labcorp
Classification: Uncertain significance. Last evaluated: 2024-10-24. Review status: criteria provided, single submitter. Criteria: Invitae Variant Classification Sherloc (09022015). Collection method: clinical testing. Allele origin: germline.
Comment: This sequence change replaces glutamic acid, which is acidic and polar, with glycine, which is neutral and non-polar, at codon 783 of the NEFH protein (p.Glu783Gly). This variant is present in population databases (rs573785616, gnomAD 0.03%). This variant has not been reported in the literature in individuals affected with NEFH-related conditions. ClinVar contains an entry for this variant (Variation ID: 1789942). Invitae Evidence Modeling of protein sequence and biophysical properties (such as structural, functional, and spatial information, amino acid conservation, physicochemical variation, residue mobility, and thermodynamic stability) indicates that this missense variant is not expected to disrupt NEFH protein function with a negative predictive value of 95%. In summary, the available evidence is currently insufficient to determine the role of this variant in disease. Therefore, it has been classified as a Variant of Uncertain Significance.

Ambry Genetics
Classification: Likely benign for Inborn genetic diseases. Last evaluated: 2021-12-13. Review status: criteria provided, single submitter. Criteria: Ambry Variant Classification Scheme 2023. Collection method: clinical testing. Allele origin: germline.